The following is an entry in ClinVar:

ClinVar aggregate classification (germline): Uncertain significance. Review status: criteria provided, multiple submitters, no conflicts (2 of 4 stars). 2 submissions from 2 submitters: Uncertain significance (2). Last evaluated 2025-08-01.

Conditions:
Weiss-Kruszka syndrome. Also called: Metopic ridging-ptosis-facial dysmorphism syndrome. Identifiers: Orphanet 502430, MedGen C5568107, MONDO:0032836, OMIM 618619.
Inborn genetic diseases. Identifiers: MedGen C0950123, MeSH D030342.

Allele frequency attached by ClinVar (database versions not stated): TOPMed 0.00001.

Submissions (2):

Ambry Genetics
Classification: Uncertain significance for Inborn genetic diseases. Last evaluated: 2025-08-01. Review status: criteria provided, single submitter. Criteria: Ambry Variant Classification Scheme 2023. Collection method: clinical testing. Allele origin: germline.

Laboratorio de Genetica e Diagnostico Molecular, Hospital Israelita Albert Einstein
Classification: Uncertain significance for Weiss-Kruszka syndrome. Last evaluated: 2022-08-19. Review status: criteria provided, single submitter. Criteria: ACMG Guidelines, 2015. Collection method: clinical testing. Allele origin: germline. Affected: yes. Observed: 1 variant allele.
Comment: ACMG classification criteria: PM2 moderated, BP4 supporting

NM_021224.6(ZNF462):c.3478G>A (p.Val1160Ile)

Gene: ZNF462 (zinc finger protein 462; plus strand). Cytogenetic location: 9q31.2.
Variant type: single nucleotide variant.
Coding change: c.3478G>A on transcript NM_021224.6 (MANE Select); coding-DNA position 3478, G replaced by A.
Protein change: p.Val1160Ile; replaces valine 1160 with isoleucine.
Molecular consequence: missense variant. On other transcripts: intron variant (1).
Genome position (GRCh38, 1-based): chr9:106,927,390, G>A. VCF-style: chr9-106927390-G-A. GRCh37 (hg19) VCF-style: chr9-109689671-G-A.
Other names: c.3478G>A (NM_021224.4); c.3252+226G>A (NM_001347997.2); short protein forms V1160I.
Identifiers: ClinVar variation 2431447 (VCV002431447.2), dbSNP rs752413939, ClinGen allele CA374403235.